The following is an entry in ClinVar:

ClinVar aggregate classification (germline): Likely pathogenic (1 of 4 stars; one submission).

Conditions:
TWIST1-related disorder.

Submission:

Molecular Genetics Laboratory, Motol Hospital
Classification: Likely pathogenic for TWIST1-related condition. Last evaluated: 2026-10-29. Review status: criteria provided, single submitter. Criteria: ACMG Guidelines, 2015. Collection method: clinical testing. Allele origin: maternal. Inheritance: Autosomal dominant inheritance. Affected: yes. Observed: 1 variant allele, 1 heterozygote.
Comment: A rare variant not present in a control non-Finnish European population (gnomAD v4.1.2), not reported in dbSNP, ClinVar databases (PM2). Rare missense variants in the TWIST1 gene are associated with multiple conditions with autosomal dominant inheritance (for details see OMIM *601622) (PP2, PP4). The missense variant is located in a mutational hotspot in the exon 1 (PM1) and in silico prediction tools support a deleterious effect (PP3). To conclude, the variant is classified as likely pathogenic.

Literature cited by the submitters: PubMed 19483581; PubMed 33369125; PubMed 9585583; PubMed 25271085; NCBI Bookshelf NBK1189; DOI 10.1016/j.jds.2017.07.002.

NM_000474.4(TWIST1):c.410C>T (p.Thr137Met)

Gene: TWIST1 (twist family bHLH transcription factor 1; minus strand). Cytogenetic location: 7p21.1.
Variant type: single nucleotide variant.
Coding change: c.410C>T on transcript NM_000474.4 (MANE Select); coding-DNA position 410, C replaced by T.
Protein change: p.Thr137Met; replaces threonine 137 with methionine.
Molecular consequence: missense variant. On other transcripts: non-coding transcript variant (1).
Genome position (GRCh38, 1-based): chr7:19,116,912, G>A on the plus strand (C>T on the coding strand, the complement: TWIST1 is on the minus strand). VCF-style: chr7-19116912-G-A. GRCh37 (hg19) VCF-style: chr7-19156535-G-A.
Other names: short protein forms T137M.
Identifiers: ClinVar variation 5043507 (VCV005043507.1).